The following is an entry in ClinVar:

ClinVar aggregate classification (germline): Uncertain significance (1 of 4 stars; one submission).

Submission:

Ambry Genetics
Classification: Uncertain significance. Last evaluated: 2019-09-17. Review status: criteria provided, single submitter. Criteria: Ambry Variant Classification Scheme 2023. Collection method: clinical testing. Allele origin: germline.
Comment: The c.4382dupG variant, located in coding exon 14 of the CDK12 gene, results from a duplication of G at nucleotide position 4382, causing a translational frameshift with a predicted alternate stop codon (p.T1463Nfs*50). This frameshift occurs at the 3' terminus of the CDK12 gene, is not expected to trigger nonsense-mediated mRNA decay, and impacts only the last 28 amino acids of the protein. The exact functional impact of these altered amino acids is unknown at this time. Additionally, loss of function of CDK12 has not been clearly established as a mechanism of disease. Since supporting evidence is limited at this time, the clinical significance of this alteration remains unclear.

NM_016507.4(CDK12):c.4382dup (p.Thr1463fs)

Gene: CDK12 (cyclin dependent kinase 12; plus strand). Cytogenetic location: 17q12.
Variant type: Duplication.
Coding change: c.4382dup on transcript NM_016507.4 (MANE Select); coding-DNA position 4382, one base duplicated (G; older notation c.4382dupG).
Protein change: p.Thr1463fs; shifts the reading frame from threonine 1463.
Molecular consequence: frameshift variant.
Genome position (GRCh38, 1-based): chr17:39,531,225, G duplicated; the last of 7 consecutive G bases (chr17:39,531,219-39,531,225); duplicating any one gives the same sequence. VCF-style (leftmost placement, unchanged base first): chr17-39531218-T-TG. GRCh37 (hg19) VCF-style: chr17-37687471-T-TG.
Other names: c.4355dup, p.Thr1454fs (NM_015083.4); short protein forms T1454fs, T1463fs.
Identifiers: ClinVar variation 1740171 (VCV001740171.2), dbSNP rs760014508, ClinGen allele CA8531698.